The following is an entry in ClinVar:

ClinVar aggregate classification (germline): Pathogenic (1 of 4 stars; one submission).

Submission:

Labcorp Genetics (formerly Invitae), Labcorp
Classification: Pathogenic. Last evaluated: 2023-06-04. Review status: criteria provided, single submitter. Criteria: Invitae Variant Classification Sherloc (09022015). Collection method: clinical testing. Allele origin: germline.
Comment: For these reasons, this variant has been classified as Pathogenic. ClinVar contains an entry for this variant (Variation ID: 1451272). This variant has not been reported in the literature in individuals affected with TRMU-related conditions. This variant is not present in population databases (gnomAD no frequency). This sequence change creates a premature translational stop signal (p.Ile245Tyrfs*7) in the TRMU gene. It is expected to result in an absent or disrupted protein product. Loss-of-function variants in TRMU are known to be pathogenic (PMID: 19732863, 23625533).

Literature cited by the submitters: PubMed 19732863; PubMed 23625533.

NM_018006.5(TRMU):c.732dup (p.Ile245fs)

Gene: TRMU (tRNA mitochondrial 2-thiouridylase; plus strand). Cytogenetic location: 22q13.31.
Variant type: Duplication.
Coding change: c.732dup on transcript NM_018006.5 (MANE Select); coding-DNA position 732, one base duplicated (T; older notation c.732dupT).
Protein change: p.Ile245fs; shifts the reading frame from isoleucine 245.
Molecular consequence: frameshift variant. On other transcripts: non-coding transcript variant (2).
Genome position (GRCh38, 1-based): chr22:46,352,290, T duplicated; the last of 3 consecutive T bases (chr22:46,352,288-46,352,290); duplicating any one gives the same sequence. VCF-style (leftmost placement, unchanged base first): chr22-46352287-C-CT. GRCh37 (hg19) VCF-style: chr22-46748184-C-CT.
Other names: c.390dup, p.Ile131fs (NM_001282782.2); c.312dup, p.Ile105fs (NM_001282783.2, NM_001282784.2); c.732dup, p.Ile245fs (NM_001282785.2); short protein forms I105fs, I245fs, I131fs.
Identifiers: ClinVar variation 1451272 (VCV001451272.6), dbSNP rs2147095810, ClinGen allele CA2573158380.